The following is an entry in ClinVar:

NM_004608.4(TBX6):c.1061C>T (p.Ala354Val)

Gene: TBX6 (T-box transcription factor 6; minus strand). Cytogenetic location: 16p11.2.
Variant type: single nucleotide variant.
Coding change: c.1061C>T on transcript NM_004608.4 (MANE Select); coding-DNA position 1061, C replaced by T.
Protein change: p.Ala354Val; replaces alanine 354 with valine.
Molecular consequence: missense variant.
Genome position (GRCh38, 1-based): chr16:30,086,548, G>A on the plus strand (C>T on the coding strand, the complement: TBX6 is on the minus strand). VCF-style: chr16-30086548-G-A. GRCh37 (hg19) VCF-style: chr16-30097869-G-A.
Other names: short protein forms A354V.
Identifiers: ClinVar variation 593382 (VCV000593382.12), dbSNP rs200023167, ClinGen allele CA8001691.
Genomic context (GRCh38, chr16:30,086,548, plus strand): 5'-CGCCTGGTCCCCTGTCCCACTCACCTGGTGGGAAGGTGACTGGGGGCCCCATGGAAAGCC[G>A]CAGGGTGCAGGAGGTAGGCCTCAGCACTGGGGCCACCACACAGAGGTGCCGGGGCAGCGG-3'
Protein context (NP_004599.2, residues 344-364): PSAEAYLLHP[Ala354Val]AFHGAPSHLP

ClinVar aggregate classification (germline): Uncertain significance. Review status: criteria provided, multiple submitters, no conflicts (2 of 4 stars). 2 submissions from 2 submitters: Uncertain significance (2). Last evaluated 2025-03-24.

Allele frequency attached by ClinVar (database versions not stated): gnomAD 0.00006 and 0.00007; gnomAD exomes 0.00007; TOPMed 0.00007; ESP Exome Variant Server 0.00016; 1000 Genomes Project 0.00020; 1000 Genomes Project 30x 0.00031; ExAC 0.00042.
gnomAD v4.1: 61 of 1,524,012 alleles (0.004%); highest among the groups gnomAD compares: East Asian, 0.017%; no homozygotes.

Submissions (2):

Labcorp Genetics (formerly Invitae), Labcorp
Classification: Uncertain significance. Last evaluated: 2025-03-24. Review status: criteria provided, single submitter. Criteria: Invitae Variant Classification Sherloc (09022015). Collection method: clinical testing. Allele origin: germline.
Comment: This sequence change replaces alanine, which is neutral and non-polar, with valine, which is neutral and non-polar, at codon 354 of the TBX6 protein (p.Ala354Val). The frequency data for this variant in the population databases is considered unreliable, as metrics indicate poor data quality at this position in the gnomAD database. This variant has not been reported in the literature in individuals affected with TBX6-related conditions. ClinVar contains an entry for this variant (Variation ID: 593382). Invitae Evidence Modeling of protein sequence and biophysical properties (such as structural, functional, and spatial information, amino acid conservation, physicochemical variation, residue mobility, and thermodynamic stability) indicates that this missense variant is not expected to disrupt TBX6 protein function with a negative predictive value of 80%. In summary, the available evidence is currently insufficient to determine the role of this variant in disease. Therefore, it has been classified as a Variant of Uncertain Significance.

Eurofins Ntd Llc (ga)
Classification: Uncertain significance. Last evaluated: 2017-07-26. Review status: criteria provided, single submitter. Criteria: EGL Classification Definitions 2015. Collection method: clinical testing. Allele origin: germline. Observed: 1 variant allele, 1 heterozygote.